The following is an entry in ClinVar:

ClinVar aggregate classification (germline): Conflicting classifications of pathogenicity. Review status: criteria provided, conflicting classifications (1 of 4 stars). 7 submissions from 7 submitters: Pathogenic (1); Likely pathogenic (4); Uncertain significance (2). Last evaluated 2026-04-21.

Conditions:
Autism spectrum disorder. Also called: Autism spectrum disorders. Identifiers: MedGen C1510586, MeSH D000067877, MONDO:0005258.
Intellectual disability, autosomal dominant 15 (CSS3). Also called: COFFIN-SIRIS SYNDROME 3. Identifiers: Orphanet 1465, MedGen C3553248, MONDO:0013820, OMIM 614608.
SMARCB1-related schwannomatosis. Also called: Schwannomatosis 1; SWNTS1. Identifiers: Orphanet 93921, MedGen C4048809, MONDO:0024517, OMIM 162091. Disease mechanism: loss of function.
Hereditary cancer-predisposing syndrome. Also called: Hereditary neoplastic syndrome; Neoplastic Syndromes, Hereditary; Tumor predisposition; Hereditary Cancer Syndrome. Identifiers: Orphanet 140162, MedGen C0027672, MeSH D009386, MONDO:0015356.

Submissions (7):

GeneDx
Classification: Pathogenic. Last evaluated: 2026-04-21. Review status: criteria provided, single submitter. Criteria: GeneDx Variant Classification Process June 2021. Collection method: clinical testing. Allele origin: germline.
Comment: Not observed at significant frequency in large population cohorts (gnomAD); In silico analysis supports that this missense variant has a deleterious effect on protein structure/function; This variant is associated with the following publications: (PMID: 40558542, 41715173, 39976804, 39563460, 38963150)

3billion
Classification: Likely pathogenic for Intellectual disability, autosomal dominant 15. Last evaluated: 2026-01-25. Review status: criteria provided, single submitter. Criteria: ACMG Guidelines, 2015. Collection method: clinical testing. Allele origin: germline. Affected: yes.
Comment: The variant is not observed in the gnomAD v4.1.0 dataset. Predicted Consequence/Location: Missense variant. Missense changes are a common disease-causing mechanism. In silico tool predictions suggest damaging effect of the variant on gene or gene product [REVEL: 0.91 (>=0.6, sensitivity 0.68 and specificity 0.92); 3Cnet: 0.95 (> 0.75, sensitivity 0.96 and precision 0.92)]. The same nucleotide change resulting in the same amino acid change has been previously reported as pathogenic/likely pathogenic with strong evidence (ClinVar ID: VCV000825898 /PMID: 38963150). The variant has been previously reported as de novo in a similarly affected individual (PMID: 38963150). A different missense change at the same codon (p.Arg190Gln) has been reported to be associated with SMARCB1-related disorder (ClinVar ID: VCV003764163). Therefore, this variant is classified as Likely pathogenic according to the recommendation of ACMG/AMP guideline.

Labcorp Genetics (formerly Invitae), Labcorp
Classification: Likely pathogenic. Last evaluated: 2025-11-03. Review status: criteria provided, single submitter. Criteria: Invitae Variant Classification Sherloc (09022015). Collection method: clinical testing. Allele origin: germline.
Comment: This sequence change replaces arginine, which is basic and polar, with tryptophan, which is neutral and slightly polar, at codon 190 of the SMARCB1 protein (p.Arg190Trp). This variant is not present in population databases (gnomAD no frequency). This missense change has been observed in individual(s) with Coffin-Siris syndrome (PMID: 38963150). In at least one individual the variant was observed to be de novo. ClinVar contains an entry for this variant (Variation ID: 825898). Invitae Evidence Modeling of protein sequence and biophysical properties (such as structural, functional, and spatial information, amino acid conservation, physicochemical variation, residue mobility, and thermodynamic stability) indicates that this missense variant is expected to disrupt SMARCB1 protein function with a positive predictive value of 80%. In summary, the currently available evidence indicates that the variant is pathogenic, but additional data are needed to prove that conclusively. Therefore, this variant has been classified as Likely Pathogenic.

Department of Genetics, Rouen University Hospital, Normandy Center for Genomic and Personalized Medicine
Classification: Likely pathogenic for Autism spectrum disorder. Last evaluated: 2022-04-13. Review status: criteria provided, single submitter. Criteria: ACMG Guidelines, 2015. Collection method: clinical testing. Allele origin: de novo. Affected: yes.

Blueprint Genetics
Classification: Uncertain significance. Last evaluated: 2021-12-03. Review status: criteria provided, single submitter. Criteria: ACMG Guidelines, 2015. Collection method: clinical testing. Allele origin: germline.

Ambry Genetics
Classification: Uncertain significance for Hereditary cancer-predisposing syndrome. Last evaluated: 2019-07-22. Review status: criteria provided, single submitter. Criteria: Ambry Variant Classification Scheme 2023. Collection method: clinical testing. Allele origin: germline.
Comment: The p.R190W variant (also known as c.568C>T), located in coding exon 5 of the SMARCB1 gene, results from a C to T substitution at nucleotide position 568. The arginine at codon 190 is replaced by tryptophan, an amino acid with dissimilar properties. This amino acid position is highly conserved in available vertebrate species. In addition, this alteration is predicted to be deleterious by in silico analysis. Since supporting evidence is limited at this time, the clinical significance of this alteration remains unclear.

Centre for Mendelian Genomics, University Medical Centre Ljubljana
Classification: Likely pathogenic for SMARCB1-related schwannomatosis. Last evaluated: 2018-11-26. Review status: criteria provided, single submitter. Criteria: ACMG Guidelines, 2015. Collection method: clinical testing. Allele origin: unknown. Affected: yes.
Comment: This variant was classified as: Likely pathogenic. The following ACMG criteria were applied in classifying this variant: PS2,PM2,PP3.

Literature cited by the submitters: PubMed 38963150 (cited by 3billion and Labcorp Genetics (formerly Invitae), Labcorp).

NM_003073.5(SMARCB1):c.568C>T (p.Arg190Trp)

Gene: SMARCB1 (SWI/SNF related BAF chromatin remodeling complex subunit B1; plus strand). Cytogenetic location: 22q11.23.
Variant type: single nucleotide variant.
Coding change: c.568C>T on transcript NM_003073.5 (MANE Select); coding-DNA position 568, C replaced by T.
Protein change: p.Arg190Trp; replaces arginine 190 with tryptophan.
Molecular consequence: missense variant.
Genome position (GRCh38, 1-based): chr22:23,803,362, C>T. VCF-style: chr22-23803362-C-T. GRCh37 (hg19) VCF-style: chr22-24145549-C-T.
Other names: c.541C>T (NM_001007468.2); c.541C>T, p.Arg181Trp (NM_001007468.3); c.595C>T, p.Arg199Trp (NM_001317946.2); c.622C>T, p.Arg208Trp (NM_001362877.2); short protein forms R181W, R199W, R208W, R190W.
Identifiers: ClinVar variation 825898 (VCV000825898.20), dbSNP rs1601405064, ClinGen allele CA410935796.